The following is an entry in ClinVar:

ClinVar aggregate classification (germline): Conflicting classifications of pathogenicity. Review status: criteria provided, conflicting classifications (1 of 4 stars). 4 submissions from 4 submitters: Uncertain significance (3); Likely benign (1). Last evaluated 2026-01-26.

Conditions:
Microcephaly-intellectual disability-sensorineural hearing loss-epilepsy-abnormal muscle tone syndrome (NEDHSB). Also called: NEURODEVELOPMENTAL DISORDER WITH HEARING LOSS, SEIZURES, AND BRAIN ABNORMALITIES. Identifiers: Orphanet 457351, MedGen C4225276, MONDO:0014698, OMIM 616577.
Inborn genetic diseases. Identifiers: MedGen C0950123, MeSH D030342.

Allele frequency attached by ClinVar (database versions not stated): TOPMed 0.00041; gnomAD exomes 0.00003 and 0.00004; ExAC 0.00003; gnomAD 0.00039 and 0.00045; ESP Exome Variant Server 0.00046.
gnomAD v4.1: 105 of 1,614,064 alleles (0.0065%); highest among the groups gnomAD compares: African/African-American, 0.13%; 1 homozygote.

Submissions (4):

Labcorp Genetics (formerly Invitae), Labcorp
Classification: Likely benign for Microcephaly-intellectual disability-sensorineural hearing loss-epilepsy-abnormal muscle tone syndrome. Last evaluated: 2026-01-26. Review status: criteria provided, single submitter. Criteria: Invitae Variant Classification Sherloc (09022015). Collection method: clinical testing. Allele origin: germline.

Women's Health and Genetics/Laboratory Corporation of America, LabCorp
Classification: Uncertain significance. Last evaluated: 2025-11-11. Review status: criteria provided, single submitter. Criteria: LabCorp Variant Classification Summary - May 2015. Collection method: clinical testing. Allele origin: germline.
Comment: Variant summary: AFG2A c.637G>A (p.Asp213Asn) results in a conservative amino acid change in the encoded protein sequence. Algorithms developed to predict the effect of missense changes on protein structure and function all suggest that this variant is likely to be tolerated. The variant allele was found at a frequency of 8.1e-05 in 282850 control chromosomes. This frequency is not significantly higher than estimated for disease-causing variants in AFG2A, allowing no conclusion about variant significance. To our knowledge, no occurrence of c.637G>A in individuals affected with AFG2A-related conditions and no experimental evidence demonstrating its impact on protein function have been reported. ClinVar contains an entry for this variant (Variation ID: 574573). Based on the evidence outlined above, the variant was classified as uncertain significance.

Ambry Genetics
Classification: Uncertain significance for Inborn genetic diseases. Last evaluated: 2025-06-22. Review status: criteria provided, single submitter. Criteria: Ambry Variant Classification Scheme 2023. Collection method: clinical testing. Allele origin: germline.

New York Genome Center
Classification: Uncertain significance for Microcephaly-intellectual disability-sensorineural hearing loss-epilepsy-abnormal muscle tone syndrome. Last evaluated: 2020-06-19. Review status: criteria provided, single submitter. Criteria: NYGC Assertion Criteria 2020. Collection method: clinical testing. Allele origin: inherited. Observed: 1 heterozygote. Study: CSER-NYCKidSeq.

NM_145207.3(AFG2A):c.637G>A (p.Asp213Asn)

Gene: AFG2A (AAA ATPase AFG2A; plus strand). Cytogenetic location: 4q28.1.
Variant type: single nucleotide variant.
Coding change: c.637G>A on transcript NM_145207.3 (MANE Select); coding-DNA position 637, G replaced by A.
Protein change: p.Asp213Asn; replaces aspartic acid 213 with asparagine.
Molecular consequence: missense variant.
Genome position (GRCh38, 1-based): chr4:122,934,228, G>A. VCF-style: chr4-122934228-G-A. GRCh37 (hg19) VCF-style: chr4-123855383-G-A.
Other names: c.634G>A, p.Asp212Asn (NM_001317799.2, NM_001345856.2); short protein forms D213N, D212N.
Identifiers: ClinVar variation 574573 (VCV000574573.15), dbSNP rs139066705, ClinGen allele CA3070290.
Genomic context (GRCh38, chr4:122,934,228, plus strand): 5'-TTGCGAGTGAAAGGGGCAGATGGCATGATATTGGGAGGGCCTCAGAGTGACTCTGACACT[G>A]ATGCCCAAAGAATGGCCTTTGAACAGTCCAGCATGGAAACCAGTAGCCTGGAGTTATCCT-3'
Protein context (NP_660208.2, residues 203-223): LGGPQSDSDT[Asp213Asn]AQRMAFEQSS